The following is an entry in ClinVar:

ClinVar aggregate classification (germline): Pathogenic (1 of 4 stars; one submission).

Conditions:
Kabuki syndrome 2 (KABUK2). Also called: KDM6A-Related Kabuki Syndrome. Identifiers: Orphanet 2322, MedGen C3275495, MONDO:0010465, OMIM 300867.

Submission:

Labcorp Genetics (formerly Invitae), Labcorp
Classification: Pathogenic for Kabuki syndrome 2. Last evaluated: 2023-12-01. Review status: criteria provided, single submitter. Criteria: Invitae Variant Classification Sherloc (09022015). Collection method: clinical testing. Allele origin: germline.
Comment: This sequence change creates a premature translational stop signal (p.Thr1245Tyrfs*6) in the KDM6A gene. It is expected to result in an absent or disrupted protein product. Loss-of-function variants in KDM6A are known to be pathogenic (PMID: 23076834, 23913813). This variant is not present in population databases (gnomAD no frequency). This variant has not been reported in the literature in individuals affected with KDM6A-related conditions. For these reasons, this variant has been classified as Pathogenic.

Literature cited by the submitters: PubMed 23076834; PubMed 23913813.

NM_001291415.2(KDM6A):c.3888dup (p.Thr1297fs)

Gene: KDM6A (lysine demethylase 6A; plus strand). Cytogenetic location: Xp11.3.
Variant type: Duplication.
Coding change: c.3888dup on transcript NM_001291415.2 (MANE Select); coding-DNA position 3888, one base duplicated (T; older notation c.3888dupT).
Protein change: p.Thr1297fs; shifts the reading frame from threonine 1297.
Molecular consequence: frameshift variant. On other transcripts: non-coding transcript variant (1).
Genome position (GRCh38, 1-based): chrX:45,089,926, T duplicated; the last of 2 consecutive T bases (chrX:45,089,925-45,089,926); duplicating either gives the same sequence. VCF-style (leftmost placement, unchanged base first): chrX-45089924-C-CT. GRCh37 (hg19) VCF-style: chrX-44949169-C-CT.
Other names: c.3732dup, p.Thr1245fs (NM_001419812.1, NM_021140.4); c.3786dup, p.Thr1263fs (NM_001419813.1, NM_001419810.1); c.3630dup, p.Thr1211fs (NM_001419814.1, NM_001410742.1); c.3495dup, p.Thr1166fs (NM_001291418.2, NM_001419815.1); c.2844dup, p.Thr949fs (NM_001291421.2); c.3753dup, p.Thr1252fs (NM_001291416.2, NM_001419811.1); c.3597dup, p.Thr1200fs (NM_001291417.2); c.3888dup, p.Thr1297fs (NM_001419809.1); short protein forms T1200fs, T1211fs, T1245fs, T1166fs, T1297fs, T1252fs, T1263fs, T949fs.
Identifiers: ClinVar variation 2696985 (VCV002696985.3), dbSNP rs2523335614, ClinGen allele CA2697553076.